The following is an entry in ClinVar:

NM_004525.3(LRP2):c.12439A>C (p.Ile4147Leu)

Gene: LRP2 (LDL receptor related protein 2; minus strand). Cytogenetic location: 2q31.1.
Variant type: single nucleotide variant.
Coding change: c.12439A>C on transcript NM_004525.3 (MANE Select); coding-DNA position 12439, A replaced by C.
Protein change: p.Ile4147Leu; replaces isoleucine 4147 with leucine.
Molecular consequence: missense variant.
Genome position (GRCh38, 1-based): chr2:169,152,821, T>G on the plus strand (A>C on the coding strand, the complement: LRP2 is on the minus strand). VCF-style: chr2-169152821-T-G. GRCh37 (hg19) VCF-style: chr2-170009331-T-G.
Other names: short protein forms I4147L.
Identifiers: ClinVar variation 2127232 (VCV002127232.3), dbSNP rs2545676892, ClinGen allele CA349134774.
Genomic context (GRCh38, chr2:169,152,821, plus strand): 5'-AACAGAACAGGTAAGGGGGGAATGTATGGCAAATTTACCTTCCAACCCAGTCCACTGCTA[T>G]TCCATCTGGCTGCATTACGTATTTCAGTTTCAGGTCAACTTCCTGCACAAGATTATTGCG-3'
Protein context (NP_004516.2, residues 4137-4157): KLKYVMQPDG[Ile4147Leu]AVDWVGRHIY

ClinVar aggregate classification (germline): Uncertain significance (1 of 4 stars; one submission).

Submission:

Labcorp Genetics (formerly Invitae), Labcorp
Classification: Uncertain significance. Last evaluated: 2024-01-15. Review status: criteria provided, single submitter. Criteria: Invitae Variant Classification Sherloc (09022015). Collection method: clinical testing. Allele origin: germline.
Comment: This sequence change replaces isoleucine, which is neutral and non-polar, with leucine, which is neutral and non-polar, at codon 4147 of the LRP2 protein (p.Ile4147Leu). This variant is not present in population databases (gnomAD no frequency). This variant has not been reported in the literature in individuals affected with LRP2-related conditions. ClinVar contains an entry for this variant (Variation ID: 2127232). Advanced modeling of protein sequence and biophysical properties (such as structural, functional, and spatial information, amino acid conservation, physicochemical variation, residue mobility, and thermodynamic stability) performed at Invitae indicates that this missense variant is not expected to disrupt LRP2 protein function with a negative predictive value of 95%. In summary, the available evidence is currently insufficient to determine the role of this variant in disease. Therefore, it has been classified as a Variant of Uncertain Significance.